The following is an entry in ClinVar:

NM_007294.4(BRCA1):c.5075-2A>T

Gene: BRCA1 (BRCA1 DNA repair associated; minus strand). Cytogenetic location: 17q21.31.
Variant type: single nucleotide variant.
Coding change: c.5075-2A>T on transcript NM_007294.4 (MANE Select); the canonical splice acceptor site of the intron before coding-DNA position 5075, A replaced by T.
Molecular consequence: splice acceptor variant. On other transcripts: intron variant (2).
Genome position (GRCh38, 1-based): chr17:43,063,953, T>A on the plus strand (A>T on the coding strand, the complement: BRCA1 is on the minus strand). VCF-style: chr17-43063953-T-A. GRCh37 (hg19) VCF-style: chr17-41215970-T-A.
Other names: IVS17-2A>T; c.4739-2A>T (NM_001407953.1, NM_001407955.1, NM_001407951.1 and 3 more transcripts); c.4742-2A>T (NM_001407949.1, NM_001407947.1, NM_001407946.1 and 1 more transcripts); c.1439-2A>T (NM_001408506.1); c.1553-2A>T (NM_001408481.1, NM_001408485.1, NM_001408483.1 and 5 more transcripts); c.1556-2A>T (NM_001408480.1, NM_001408479.1, NM_001408478.1); c.4862-2A>T (NM_001407909.1, NM_001407906.1, NM_001407902.1 and 12 more transcripts); c.4865-2A>T (NM_001407887.1, NM_001407882.1, NM_001407881.1 and 5 more transcripts); and 74 more.
Identifiers: ClinVar variation 55380 (VCV000055380.6), dbSNP rs80358066, ClinGen allele CA003208.
Genomic context (GRCh38, chr17:43,063,953, plus strand): 5'-TTTTCCTCCCGCAATTCCTAGAAAATATTTCAGTGTCCGTTCACACACAAACTCAGCATC[T>A]GCAGAATGAAAAACACTCAAAGGATTAGAAGTTGAAAACAAAATCAGGAAGTGCTGTCCT-3'

ClinVar aggregate classification (germline): Pathogenic (0 of 4 stars; one submission).

Conditions:
Breast-ovarian cancer, familial, susceptibility to, 1 (BROVCA1). Also called: BRCA1 Hereditary Breast and Ovarian Cancer; OVARIAN CANCER, SUSCEPTIBILITY TO. Identifiers: Orphanet 145, MedGen C2676676, MONDO:0011450, OMIM 604370. Disease mechanism: loss of function.

Submissions (2):

Breast Cancer Information Core (BIC) (BRCA1)
Classification: Pathogenic for Breast-ovarian cancer, familial 1. Last evaluated: 2003-12-23. Review status: no assertion criteria provided. Collection method: clinical testing. Allele origin: germline. Affected: yes. Observed: 1 variant allele.

Brotman Baty Institute, University of Washington
No classification provided (evidence only). Condition: Breast-ovarian cancer, familial 1. Review status: no classification provided. Collection method: in vitro. Allele origin: not applicable. Functional consequence: functionally_abnormal. Not counted in ClinVar's aggregate classification.
ClinVar note: "not provided" was previously submitted as the classification for the variant. However, the classification appeared to be based only on an observation of functional data so it was converted to no classification on 2025-07-30.